The following is an entry in ClinVar:

NM_004525.3(LRP2):c.13728+6A>G

Gene: LRP2 (LDL receptor related protein 2; minus strand). Cytogenetic location: 2q31.1.
Variant type: single nucleotide variant.
Coding change: c.13728+6A>G on transcript NM_004525.3 (MANE Select); 6 bases into the intron after coding-DNA position 13728, A replaced by G.
Molecular consequence: intron variant.
Genome position (GRCh38, 1-based): chr2:169,132,568, T>C on the plus strand (A>G on the coding strand, the complement: LRP2 is on the minus strand). VCF-style: chr2-169132568-T-C. GRCh37 (hg19) VCF-style: chr2-169989078-T-C.
Identifiers: ClinVar variation 1391487 (VCV001391487.3), dbSNP rs766726645, ClinGen allele CA537540641.

ClinVar aggregate classification (germline): Uncertain significance (1 of 4 stars; one submission).

Submission:

Labcorp Genetics (formerly Invitae), Labcorp
Classification: Uncertain significance. Last evaluated: 2022-06-28. Review status: criteria provided, single submitter. Criteria: Invitae Variant Classification Sherloc (09022015). Collection method: clinical testing. Allele origin: germline.
Comment: This sequence change falls in intron 77 of the LRP2 gene. It does not directly change the encoded amino acid sequence of the LRP2 protein. It affects a nucleotide within the consensus splice site. This variant is present in population databases (no rsID available, gnomAD 0.003%). This variant has not been reported in the literature in individuals affected with LRP2-related conditions. Variants that disrupt the consensus splice site are a relatively common cause of aberrant splicing (PMID: 17576681, 9536098). Algorithms developed to predict the effect of sequence changes on RNA splicing suggest that this variant is not likely to affect RNA splicing. In summary, the available evidence is currently insufficient to determine the role of this variant in disease. Therefore, it has been classified as a Variant of Uncertain Significance.

Literature cited by the submitters: PubMed 17576681; PubMed 9536098.